The following is an entry in ClinVar:

NM_000535.7(PMS2):c.1053G>C (p.Leu351Phe)

Gene: PMS2 (PMS1 homolog 2, mismatch repair system component; minus strand). Cytogenetic location: 7p22.1.
Variant type: single nucleotide variant.
Coding change: c.1053G>C on transcript NM_000535.7 (MANE Select); coding-DNA position 1053, G replaced by C.
Protein change: p.Leu351Phe; replaces leucine 351 with phenylalanine.
Molecular consequence: missense variant. On other transcripts: non-coding transcript variant (1), intron variant (2).
Genome position (GRCh38, 1-based): chr7:5,989,891, C>G on the plus strand (G>C on the coding strand, the complement: PMS2 is on the minus strand). VCF-style: chr7-5989891-C-G. GRCh37 (hg19) VCF-style: chr7-6029522-C-G.
Other names: c.648G>C, p.Leu216Phe (NM_001322003.2, NM_001322004.2, NM_001322005.2 and 1 more transcripts); c.735G>C, p.Leu245Phe (NM_001322007.2, NM_001322008.2); c.120G>C, p.Leu40Phe (NM_001322011.2, NM_001322012.2); c.480G>C, p.Leu160Phe (NM_001322013.2); c.1053G>C, p.Leu351Phe (NM_001322014.2); c.744G>C, p.Leu248Phe (NM_001322015.2); c.583+2082G>C (NM_001322010.2); c.988+2082G>C (NM_001322006.2); short protein forms L351F, L216F, L40F, L160F, L245F, L248F.
Identifiers: ClinVar variation 411075 (VCV000411075.14), dbSNP rs1060503145, ClinGen allele CA16612146.
Genomic context (GRCh38, chr7:5,989,891, plus strand): 5'-ATTTAGCTTGTTGACATCACTATCAAACATTCCTATCAAAGAGGTCTTTAAAACTGCCAA[C>G]AAAAGCTTTTCCTCTTGTAGCAAAATTTGCCTTTTATCTGGAGTAACATTGATATCAACG-3'
Protein context (NP_000526.2, residues 341-361): RQILLQEEKL[Leu351Phe]LAVLKTSLIG

ClinVar aggregate classification (germline): Uncertain significance. Review status: criteria provided, multiple submitters, no conflicts (2 of 4 stars). 3 submissions from 3 submitters: Uncertain significance (3). Last evaluated 2024-05-13.

Conditions:
Hereditary cancer-predisposing syndrome. Also called: Tumor predisposition; Hereditary Cancer Syndrome; Hereditary neoplastic syndrome; Neoplastic Syndromes, Hereditary. Identifiers: Orphanet 140162, MedGen C0027672, MeSH D009386, MONDO:0015356.
Hereditary nonpolyposis colorectal neoplasms. Identifiers: MedGen C0009405, MeSH D003123.

gnomAD v4.1: 2 of 1,612,390 alleles (0.00012%); highest among the groups gnomAD compares: Non-Finnish European, 0.00017%; no homozygotes.

Submissions (3):

Color Diagnostics, LLC DBA Color Health
Classification: Uncertain significance for Hereditary cancer-predisposing syndrome. Last evaluated: 2024-05-13. Review status: criteria provided, single submitter. Criteria: ACMG Guidelines, 2015. Collection method: clinical testing. Allele origin: germline.
Comment: This missense variant replaces leucine with phenylalanine at codon 351 of the PMS2 protein. Computational prediction suggests that this variant may have deleterious impact on protein structure and function (internally defined REVEL score threshold >= 0.7, PMID: 27666373). To our knowledge, functional studies have not been reported for this variant. This variant has not been reported in individuals affected with PMS2-related disorders in the literature. This variant has not been identified in the general population by the Genome Aggregation Database (gnomAD). The available evidence is insufficient to determine the role of this variant in disease conclusively. Therefore, this variant is classified as a Variant of Uncertain Significance.

Labcorp Genetics (formerly Invitae), Labcorp
Classification: Uncertain significance for Hereditary nonpolyposis colorectal neoplasms. Last evaluated: 2022-11-25. Review status: criteria provided, single submitter. Criteria: Invitae Variant Classification Sherloc (09022015). Collection method: clinical testing. Allele origin: germline.
Comment: In summary, the available evidence is currently insufficient to determine the role of this variant in disease. Therefore, it has been classified as a Variant of Uncertain Significance. Advanced modeling of protein sequence and biophysical properties (such as structural, functional, and spatial information, amino acid conservation, physicochemical variation, residue mobility, and thermodynamic stability) performed at Invitae indicates that this missense variant is expected to disrupt PMS2 protein function. ClinVar contains an entry for this variant (Variation ID: 411075). This variant has not been reported in the literature in individuals affected with PMS2-related conditions. This variant is not present in population databases (gnomAD no frequency). This sequence change replaces leucine, which is neutral and non-polar, with phenylalanine, which is neutral and non-polar, at codon 351 of the PMS2 protein (p.Leu351Phe).

Sema4
Classification: Uncertain significance for Hereditary cancer-predisposing syndrome. Last evaluated: 2021-07-09. Review status: criteria provided, single submitter. Criteria: Sema4 Curation Guidelines. Collection method: curation. Allele origin: germline.
Comment: The PMS2 c.1053G>C (p.L351F) variant has not been reported in individuals with PMS2-related disorder. This variant was not observed in the large and broad cohorts of the Genome Aggregation Database (PMID: 32461654). This variant has been reported in ClinVar (Variation ID 411075). In silico tools suggest the impact of the variant on protein function is deleterious, though these predictions have not been confirmed by functional studies. The overall evidence is insufficient to meet ACMG/AMP criteria for classifying it as benign or pathogenic. In summary, the clinical significance of this variant is currently uncertain.